The following is an entry in ClinVar:

ClinVar aggregate classification (germline): Pathogenic (1 of 4 stars; one submission).

Submission:

ISCA site 4
Classification: Pathogenic. Last evaluated: 2011-08-12. Review status: criteria provided, single submitter. Criteria: Kaminsky et al. (Genet Med. 2011). Collection method: clinical testing. Allele origin: unknown. Affected: yes. Observed: 1 variant allele.
Comment: Copy number variation identified through the course of routine clinical cytogenomic testing in postnatal populations. Clinical assertions have been curated as described in Kaminsky et al. 2011.

GRCh38/hg38 14q32.2-32.33(chr14:97938637-106855263)x1

Genes: MARK3 (microtubule affinity regulating kinase 3; plus strand), MEG3 (maternally expressed 3; plus strand), MEG8 (maternally expressed 8, small nucleolar RNA host gene; plus strand), MEG9 (maternally expressed 9; plus strand), MIR1185-1 (microRNA 1185-1; plus strand) and 664 more. Cytogenetic location: 14q32.2-32.33.
Variant type: copy number loss.
Change: copy number 1 (one copy instead of two) of chr14:97,938,637-106,855,263 (8.92 Mb, GRCh38 coordinates, 1-based), cytogenetic band 14q32.2-32.33.
Identifiers: ClinVar variation 57085 (VCV000057085.1).